The following is an entry in ClinVar:

NM_001004356.3(FGFRL1):c.292G>A (p.Val98Met)

Gene: FGFRL1 (fibroblast growth factor receptor like 1; plus strand). Cytogenetic location: 4p16.3.
Variant type: single nucleotide variant.
Coding change: c.292G>A on transcript NM_001004356.3 (MANE Select); coding-DNA position 292, G replaced by A.
Protein change: p.Val98Met; replaces valine 98 with methionine.
Molecular consequence: missense variant.
Genome position (GRCh38, 1-based): chr4:1,022,415, G>A. VCF-style: chr4-1022415-G-A. GRCh37 (hg19) VCF-style: chr4-1016203-G-A.
Other names: c.292G>A, p.Val98Met (NM_001004358.1, NM_001370296.1, NM_021923.3); c.292G>A (NM_001004356.2); short protein forms V98M.
Identifiers: ClinVar variation 1525546 (VCV001525546.7), dbSNP rs776300560, ClinGen allele CA355929243.

ClinVar aggregate classification (germline): Uncertain significance. Review status: criteria provided, multiple submitters, no conflicts (2 of 4 stars). 2 submissions from 2 submitters: Uncertain significance (2). Last evaluated 2023-12-22.

Allele frequency attached by ClinVar (database versions not stated): gnomAD 0.00007.

Submissions (2):

Ambry Genetics
Classification: Uncertain significance. Last evaluated: 2023-12-22. Review status: criteria provided, single submitter. Criteria: Ambry Variant Classification Scheme 2023. Collection method: clinical testing. Allele origin: germline.

Labcorp Genetics (formerly Invitae), Labcorp
Classification: Uncertain significance. Last evaluated: 2021-12-02. Review status: criteria provided, single submitter. Criteria: Invitae Variant Classification Sherloc (09022015). Collection method: clinical testing. Allele origin: germline.
Comment: In summary, the available evidence is currently insufficient to determine the role of this variant in disease. Therefore, it has been classified as a Variant of Uncertain Significance. Algorithms developed to predict the effect of missense changes on protein structure and function are either unavailable or do not agree on the potential impact of this missense change (SIFT: "Tolerated"; PolyPhen-2: "Possibly Damaging"; Align-GVGD: "Class C0"). This variant has not been reported in the literature in individuals affected with FGFRL1-related conditions. This variant is present in population databases (no rsID available, gnomAD 0.02%). This sequence change replaces valine, which is neutral and non-polar, with methionine, which is neutral and non-polar, at codon 98 of the FGFRL1 protein (p.Val98Met).